The following is an entry in ClinVar:

ClinVar aggregate classification (germline): Uncertain significance (1 of 4 stars; one submission).

Conditions:
Chuvash polycythemia. Also called: POLYCYTHEMIA, VHL-DEPENDENT. Identifiers: Orphanet 238557, MedGen C1837915, MONDO:0009892, OMIM 263400.
Von Hippel-Lindau syndrome (VHLS). Also called: von Hippel–Lindau syndrome; VHL syndrome; Von Hippel-Lindau. Identifiers: Orphanet 892, MedGen C0019562, MONDO:0008667, OMIM 193300. Disease mechanism: loss of function.

Allele frequency attached by ClinVar (database versions not stated): gnomAD exomes below 0.00001; TOPMed below 0.00001.

Submission:

Labcorp Genetics (formerly Invitae), Labcorp
Classification: Uncertain significance for Von Hippel-Lindau syndrome; Chuvash polycythemia. Last evaluated: 2024-03-07. Review status: criteria provided, single submitter. Criteria: Invitae Variant Classification Sherloc (09022015). Collection method: clinical testing. Allele origin: germline.
Comment: This variant occurs in a non-coding region of the VHL gene. It does not change the encoded amino acid sequence of the VHL protein. This variant is not present in population databases (gnomAD no frequency). This variant has not been reported in the literature in individuals affected with VHL-related conditions. In summary, the available evidence is currently insufficient to determine the role of this variant in disease. Therefore, it has been classified as a Variant of Uncertain Significance.

NM_000551.4(VHL):c.-49C>T

Gene: VHL (von Hippel-Lindau tumor suppressor; plus strand). Cytogenetic location: 3p25.3.
Variant type: single nucleotide variant.
Coding change: c.-49C>T on transcript NM_000551.4 (MANE Select); 49 bases upstream of the start codon, C replaced by T.
Molecular consequence: 5 prime UTR variant. On other transcripts: non-coding transcript variant (1).
Genome position (GRCh38, 1-based): chr3:10,141,799, C>T. VCF-style: chr3-10141799-C-T. GRCh37 (hg19) VCF-style: chr3-10183483-C-T.
Other names: c.-49C>T (NM_001354723.2, NM_198156.3).
Identifiers: ClinVar variation 2928623 (VCV002928623.3), dbSNP rs1488933130, ClinGen allele CA896157623.
Genomic context (GRCh38, chr3:10,141,799, plus strand): 5'-GCGCGCGAAGACTACGGAGGTCGACTCGGGAGCGCGCACGCAGCTCCGCCCCGCGTCCGA[C>T]CCGCGGATCCCGCGGCGTCCGGCCCGGGTGGTCTGGATCGCGGAGGGAATGCCCCGGAGG-3'